The following is an entry in ClinVar:

NM_024642.5(GALNT12):c.617_618del (p.Glu206fs)

Gene: GALNT12 (polypeptide N-acetylgalactosaminyltransferase 12; plus strand). Cytogenetic location: 9q22.33.
Variant type: Microsatellite.
Coding change: c.617_618del on transcript NM_024642.5 (MANE Select); coding-DNA positions 617 to 618, 2 bases deleted (AG; older notation c.617_618delAG).
Protein change: p.Glu206fs; shifts the reading frame from glutamic acid 206.
Molecular consequence: frameshift variant.
Genome position (GRCh38, 1-based): chr9:98,826,827-98,826,828, AG deleted; deleting any 2 consecutive bases within chr9:98,826,821-98,826,828 gives the same sequence; the c. name uses the placement nearest the transcript's 3' end. VCF-style (leftmost placement, unchanged base first): chr9-98826820-AAG-A. GRCh37 (hg19) VCF-style: chr9-101589102-AAG-A.
Other names: short protein forms E206fs.
Identifiers: ClinVar variation 1752003 (VCV001752003.2), dbSNP rs2490501755, ClinGen allele CA2580616259.

ClinVar aggregate classification (germline): Uncertain significance (1 of 4 stars; one submission).

Submission:

Ambry Genetics
Classification: Uncertain significance. Last evaluated: 2021-03-30. Review status: criteria provided, single submitter. Criteria: Ambry Variant Classification Scheme 2023. Collection method: clinical testing. Allele origin: germline.
Comment: The c.617_618delAG variant, located in coding exon 3 of the GALNT12 gene, results from a deletion of two nucleotides at nucleotide positions 617 to 618, causing a translational frameshift with a predicted alternate stop codon (p.E206Gfs*26). This alteration is expected to result in premature protein truncation or nonsense-mediated mRNA decay. However, the gene-disease association for GALNT12 is limited.. Since supporting evidence is limited at this time, the clinical significance of this alteration remains unclear.